The following is an entry in ClinVar:

ClinVar aggregate classification (germline): Uncertain significance (1 of 4 stars; one submission).

Conditions:
Amyotrophic lateral sclerosis type 6. Also called: Amyotrophic lateral sclerosis 6, with or without frontotemporal dementia; FUS-Related Amyotrophic Laterial Sclerosis; AMYOTROPHIC LATERAL SCLEROSIS 6 WITHOUT FRONTOTEMPORAL DEMENTIA. Identifiers: Orphanet 275872, Orphanet 803, MedGen C2931786, MONDO:0011951, OMIM 608030.
Tremor, hereditary essential, 4 (ETM4). Identifiers: MedGen C3539195, MONDO:0013888, OMIM 614782.

Allele frequency attached by ClinVar (database versions not stated): ESP Exome Variant Server 0.00949.

Submission:

Labcorp Genetics (formerly Invitae), Labcorp
Classification: Uncertain significance for Tremor, hereditary essential, 4; Amyotrophic lateral sclerosis type 6. Last evaluated: 2018-05-29. Review status: criteria provided, single submitter. Criteria: Invitae Variant Classification Sherloc (09022015). Collection method: clinical testing. Allele origin: germline.
Comment: This variant, c.688_693dupGGTGGT, results in the insertion of 2 amino acids to the FUS protein (p.Gly230_Gly231dup), but otherwise preserves the integrity of the reading frame. The frequency data for this variant in the population databases is considered unreliable, as metrics indicate poor data quality at this position in the ExAC database. This variant has not been reported in the literature in individuals with FUS-related disease, but a different nucleotide change giving rise to to the same protein effect (c.681_686dup, p.Gly230_Gly231dup) has been reported in a healthy unaffected individual in the Leiden Open-source Variation Database (PMID: 21520333). Experimental studies and prediction algorithms are not available for this variant, and the functional significance of the duplicated amino acids is currently unknown. In summary, the available evidence is currently insufficient to determine the role of this variant in disease. Therefore, it has been classified as a Variant of Uncertain Significance.

Literature cited by the submitters: PubMed 21520333.

NM_004960.4(FUS):c.685GGT[5] (p.Gly230_Gly231dup)

Gene: FUS (FUS RNA binding protein; plus strand). Cytogenetic location: 16p11.2.
Variant type: Microsatellite.
Coding change: c.685GGT[5] on transcript NM_004960.4 (MANE Select); five copies in a row of the 3-base unit GGT starting at c.685; the reference has three copies in a row; two copies, 6 bases duplicated.
Protein change: p.Gly230_Gly231dup.
Molecular consequence: inframe insertion. On other transcripts: non-coding transcript variant (1).
Genome position (GRCh38, 1-based): chr16:31,185,103-31,185,108, GGTGGT duplicated; duplicating any 6 consecutive bases within chr16:31,185,100-31,185,108 gives the same sequence; the position shown is the placement nearest the transcript's 3' end. VCF-style (leftmost placement, unchanged base first): chr16-31185099-C-CGGTGGT. GRCh37 (hg19) VCF-style: chr16-31196420-C-CGGTGGT.
Other names: c.682GGT[5], p.Gly229_Gly230dup (NM_001170634.1); c.673GGT[5], p.Gly226_Gly227dup (NM_001170937.1).
Identifiers: ClinVar variation 582491 (VCV000582491.9), dbSNP rs757651881, ClinGen allele CA8023764.